The following is an entry in ClinVar:

ClinVar aggregate classification (germline): Benign/Likely benign. Review status: criteria provided, multiple submitters, no conflicts (2 of 4 stars). 2 submissions from 2 submitters: Benign (1); Likely benign (1). Last evaluated 2025-06-17.

Conditions:
Hereditary cancer-predisposing syndrome. Also called: Hereditary Cancer Syndrome; Hereditary neoplastic syndrome; Neoplastic Syndromes, Hereditary; Tumor predisposition. Identifiers: Orphanet 140162, MedGen C0027672, MeSH D009386, MONDO:0015356.
Breast-ovarian cancer, familial, susceptibility to, 4. Identifiers: Orphanet 145, MedGen C3280345, MONDO:0013669, OMIM 614291.

Submissions (2):

Ambry Genetics
Classification: Likely benign for Hereditary cancer-predisposing syndrome. Last evaluated: 2025-06-17. Review status: criteria provided, single submitter. Criteria: Ambry Variant Classification Scheme 2023. Collection method: clinical testing. Allele origin: germline.

Myriad Genetics, Inc.
Classification: Benign for Breast-ovarian cancer, familial, susceptibility to, 4. Last evaluated: 2025-02-24. Review status: criteria provided, single submitter. Criteria: Myriad Autosomal Dominant, Autosomal Recessive and X-Linked Classification Criteria (2023). Collection method: clinical testing. Allele origin: unknown.
Comment: This variant is considered benign. This variant is a silent/synonymous amino acid change and it is not expected to impact splicing.

NM_002878.4(RAD51D):c.528C>T (p.Phe176=)

Genes: RAD51D (RAD51 paralog D; minus strand), RAD51L3-RFFL (RAD51L3-RFFL readthrough; minus strand). Cytogenetic location: 17q12.
Variant type: single nucleotide variant.
Coding change: c.528C>T on transcript NM_002878.4 (MANE Select); coding-DNA position 528, C replaced by T.
Protein change: p.Phe176=; no amino-acid change (phenylalanine 176 retained).
Molecular consequence: synonymous variant. On other transcripts: non-coding transcript variant (3).
Genome position (GRCh38, 1-based): chr17:35,106,434, G>A on the plus strand (C>T on the coding strand, the complement: RAD51D is on the minus strand). VCF-style: chr17-35106434-G-A. GRCh37 (hg19) VCF-style: chr17-33433453-G-A.
Other names: c.588C>T, p.Phe196= (NM_001142571.2); c.192C>T, p.Phe64= (NM_133629.3).
Identifiers: ClinVar variation 3903853 (VCV003903853.2).